The following is an entry in ClinVar:

NM_144666.3(DNHD1):c.70C>A (p.His24Asn)

Gene: DNHD1 (dynein heavy chain domain 1; plus strand). Cytogenetic location: 11p15.4.
Variant type: single nucleotide variant.
Coding change: c.70C>A on transcript NM_144666.3 (MANE Select); coding-DNA position 70, C replaced by A.
Protein change: p.His24Asn; replaces histidine 24 with asparagine.
Molecular consequence: missense variant.
Genome position (GRCh38, 1-based): chr11:6,498,285, C>A. VCF-style: chr11-6498285-C-A. GRCh37 (hg19) VCF-style: chr11-6519515-C-A.
Other names: c.70C>A, p.His24Asn (NM_173589.4); short protein forms H24N.
Identifiers: ClinVar variation 782867 (VCV000782867.7), dbSNP rs143422606, ClinGen allele CA5855263.

ClinVar aggregate classification (germline): Conflicting classifications of pathogenicity. Review status: criteria provided, conflicting classifications (1 of 4 stars). 3 submissions from 3 submitters: Uncertain significance (1); Likely benign (1). 1 of the submissions does not count toward it. Last evaluated 2025-08-26.

Conditions:
DNHD1-related disorder. Also called: DNHD1-related condition.

Allele frequency attached by ClinVar (database versions not stated): gnomAD exomes 0.00006 and 0.00029; gnomAD 0.00010 and 0.00011; 1000 Genomes Project 30x 0.00016; 1000 Genomes Project 0.00020; ExAC 0.00024; TOPMed 0.00026.
gnomAD v4.1: 193 of 1,614,220 alleles (0.012%); highest among the groups gnomAD compares: East Asian, 0.2%; 3 homozygotes.

Submissions (3):

Ambry Genetics
Classification: Uncertain significance. Last evaluated: 2025-08-26. Review status: criteria provided, single submitter. Criteria: Ambry Variant Classification Scheme 2023. Collection method: clinical testing. Allele origin: germline.

Labcorp Genetics (formerly Invitae), Labcorp
Classification: Likely benign. Last evaluated: 2019-12-31. Review status: criteria provided, single submitter. Criteria: Invitae Variant Classification Sherloc (09022015). Collection method: clinical testing. Allele origin: germline.

PreventionGenetics, part of Exact Sciences
Classification: Likely benign for DNHD1-related condition. Last evaluated: 2022-03-31. Review status: no assertion criteria provided. Collection method: clinical testing. Allele origin: germline. Not counted in ClinVar's aggregate classification.
Comment: This variant is classified as likely benign based on ACMG/AMP sequence variant interpretation guidelines (Richards et al. 2015 PMID: 25741868, with internal and published modifications).